The following is an entry in ClinVar:

ClinVar aggregate classification (germline): Uncertain significance (1 of 4 stars; one submission).

Allele frequency attached by ClinVar (database versions not stated): gnomAD exomes 0.00001; ExAC 0.00002.
gnomAD v4.1: 3 of 1,610,958 alleles (0.00019%); highest among the groups gnomAD compares: Admixed American, 0.005%; no homozygotes.

Submission:

Labcorp Genetics (formerly Invitae), Labcorp
Classification: Uncertain significance. Last evaluated: 2022-10-05. Review status: criteria provided, single submitter. Criteria: Invitae Variant Classification Sherloc (09022015). Collection method: clinical testing. Allele origin: germline.
Comment: In summary, the available evidence is currently insufficient to determine the role of this variant in disease. Therefore, it has been classified as a Variant of Uncertain Significance. Variants that disrupt the consensus splice site are a relatively common cause of aberrant splicing (PMID: 17576681, 9536098). Algorithms developed to predict the effect of sequence changes on RNA splicing suggest that this variant is not likely to affect RNA splicing. This variant has not been reported in the literature in individuals affected with DHX37-related conditions. This variant is present in population databases (rs748020180, gnomAD 0.006%). This sequence change falls in intron 16 of the DHX37 gene. It does not directly change the encoded amino acid sequence of the DHX37 protein. It affects a nucleotide within the consensus splice site.

Literature cited by the submitters: PubMed 17576681; PubMed 9536098.

NM_032656.4(DHX37):c.2157+4A>G

Gene: DHX37 (DEAH-box helicase 37; minus strand). Cytogenetic location: 12q24.31.
Variant type: single nucleotide variant.
Coding change: c.2157+4A>G on transcript NM_032656.4 (MANE Select); 4 bases into the intron after coding-DNA position 2157, A replaced by G.
Molecular consequence: intron variant.
Genome position (GRCh38, 1-based): chr12:124,960,308, T>C on the plus strand (A>G on the coding strand, the complement: DHX37 is on the minus strand). VCF-style: chr12-124960308-T-C. GRCh37 (hg19) VCF-style: chr12-125444854-T-C.
Identifiers: ClinVar variation 2048762 (VCV002048762.4), dbSNP rs748020180, ClinGen allele CA6871751.